The following is an entry in ClinVar:

NM_000245.4(MET):c.1612T>C (p.Cys538Arg)

Gene: MET (MET proto-oncogene, receptor tyrosine kinase; plus strand). Cytogenetic location: 7q31.2.
Variant type: single nucleotide variant.
Coding change: c.1612T>C on transcript NM_000245.4 (MANE Select); coding-DNA position 1612, T replaced by C.
Protein change: p.Cys538Arg; replaces cysteine 538 with arginine.
Molecular consequence: missense variant.
Genome position (GRCh38, 1-based): chr7:116,740,936, T>C. VCF-style: chr7-116740936-T-C. GRCh37 (hg19) VCF-style: chr7-116380990-T-C.
Other names: c.1612T>C, p.Cys538Arg (NM_001127500.3, NM_001324401.3); c.322T>C, p.Cys108Arg (NM_001324402.2); short protein forms C108R, C538R.
Identifiers: ClinVar variation 2743662 (VCV002743662.3), dbSNP rs2116835919, ClinGen allele CA368975453.

ClinVar aggregate classification (germline): Uncertain significance (1 of 4 stars; one submission).

Conditions:
Renal cell carcinoma. Identifiers: Orphanet 217071, MedGen C0007134, MeSH D002292, MONDO:0005086, HP:0005584.

Submission:

Labcorp Genetics (formerly Invitae), Labcorp
Classification: Uncertain significance for Renal cell carcinoma. Last evaluated: 2023-07-16. Review status: criteria provided, single submitter. Criteria: Invitae Variant Classification Sherloc (09022015). Collection method: clinical testing. Allele origin: germline.
Comment: In summary, the available evidence is currently insufficient to determine the role of this variant in disease. Therefore, it has been classified as a Variant of Uncertain Significance. Advanced modeling of protein sequence and biophysical properties (such as structural, functional, and spatial information, amino acid conservation, physicochemical variation, residue mobility, and thermodynamic stability) performed at Invitae indicates that this missense variant is expected to disrupt MET protein function. This variant has not been reported in the literature in individuals affected with MET-related conditions. This variant is not present in population databases (gnomAD no frequency). This sequence change replaces cysteine, which is neutral and slightly polar, with arginine, which is basic and polar, at codon 538 of the MET protein (p.Cys538Arg).